The following is an entry in ClinVar:

ClinVar aggregate classification (germline): Uncertain significance (1 of 4 stars; one submission).

Conditions:
Distal myopathy with posterior leg and anterior hand involvement. Also called: WILLIAMS DISTAL MYOPATHY. Identifiers: Orphanet 63273, MedGen C3279722, MONDO:0013550, OMIM 614065.
Myofibrillar myopathy 5. Also called: Filaminopathy (type); FILAMINOPATHY, AUTOSOMAL DOMINANT. Identifiers: Orphanet 171445, MedGen C1836050, MONDO:0012289, OMIM 609524.
Hypertrophic cardiomyopathy 26. Also called: Cardiomyopathy, familial hypertrophic, 26. Identifiers: Orphanet 75249, MedGen C4310749, MONDO:0014883, OMIM 617047.

Submission:

Labcorp Genetics (formerly Invitae), Labcorp
Classification: Uncertain significance for Distal myopathy with posterior leg and anterior hand involvement; Myofibrillar myopathy 5; Hypertrophic cardiomyopathy 26. Last evaluated: 2022-09-06. Review status: criteria provided, single submitter. Criteria: Invitae Variant Classification Sherloc (09022015). Collection method: clinical testing. Allele origin: germline.
Comment: In summary, the available evidence is currently insufficient to determine the role of this variant in disease. Therefore, it has been classified as a Variant of Uncertain Significance. Experimental studies and prediction algorithms are not available or were not evaluated, and the functional significance of this variant is currently unknown. ClinVar contains an entry for this variant (Variation ID: 472158). This variant has not been reported in the literature in individuals affected with FLNC-related conditions. This variant is not present in population databases (gnomAD no frequency). This variant, c.7070_7072del, results in the deletion of 1 amino acid(s) of the FLNC protein (p.Ala2357del), but otherwise preserves the integrity of the reading frame.

NM_001458.5(FLNC):c.7070_7072del (p.Ala2357del)

Genes: FLNC-AS1 (FLNC antisense RNA 1; minus strand), FLNC (filamin C; plus strand). Cytogenetic location: 7q32.1.
Variant type: Deletion.
Coding change: c.7070_7072del on transcript NM_001458.5 (MANE Select); coding-DNA positions 7070 to 7072, 3 bases deleted (CGG; older notation c.7070_7072delCGG).
Protein change: p.Ala2357del; deletes alanine 2357.
Molecular consequence: inframe deletion.
Genome position (GRCh38, 1-based): chr7:128,854,847-128,854,849, CGG deleted; deleting any 3 consecutive bases within chr7:128,854,846-128,854,849 gives the same sequence; the c. name uses the placement nearest the transcript's 3' end. VCF-style (leftmost placement, unchanged base first): chr7-128854845-AGCG-A. GRCh37 (hg19) VCF-style: chr7-128494899-AGCG-A.
Other names: c.7070_7072delCGG (NM_001458.4); c.6971_6973del, p.Ala2324del (NM_001127487.2); short protein forms A2357del, A2324del.
Identifiers: ClinVar variation 472158 (VCV000472158.11), dbSNP rs1554401479, ClinGen allele CA658657725.